The following is an entry in ClinVar:

ClinVar aggregate classification (germline): Pathogenic (1 of 4 stars; one submission).

Submission:

GeneDx
Classification: Pathogenic. Last evaluated: 2020-12-04. Review status: criteria provided, single submitter. Criteria: GeneDx Variant Classification Process June 2021. Collection method: clinical testing. Allele origin: germline. Affected: yes.
Comment: Canonical splice site variant expected to result in aberrant splicing, although in the absence of functional evidence the actual effect of this sequence change is unknown.; Not observed in large population cohorts (Lek et al., 2016); This variant is associated with the following publications: (PMID: 15454837, 31456102, 11162142, 20729109, 8634410, 17127632, 9585602)

NM_000397.4(CYBB):c.141+1G>A

Gene: CYBB (cytochrome b-245 beta chain; plus strand). Cytogenetic location: Xp21.1.
Variant type: single nucleotide variant.
Coding change: c.141+1G>A on transcript NM_000397.4 (MANE Select); the canonical splice donor site of the intron after coding-DNA position 141, G replaced by A.
Molecular consequence: splice donor variant.
Genome position (GRCh38, 1-based): chrX:37,782,184, G>A. VCF-style: chrX-37782184-G-A. GRCh37 (hg19) VCF-style: chrX-37641437-G-A.
Identifiers: ClinVar variation 1193508 (VCV001193508.2), dbSNP rs1556464581, ClinGen allele CA412972683.